The following is an entry in ClinVar:

NM_000548.5(TSC2):c.2510C>G (p.Ala837Gly)

Gene: TSC2 (TSC complex subunit 2; plus strand). Cytogenetic location: 16p13.3.
Variant type: single nucleotide variant.
Coding change: c.2510C>G on transcript NM_000548.5 (MANE Select); coding-DNA position 2510, C replaced by G.
Protein change: p.Ala837Gly; replaces alanine 837 with glycine.
Molecular consequence: missense variant.
Genome position (GRCh38, 1-based): chr16:2,074,354, C>G. VCF-style: chr16-2074354-C-G. GRCh37 (hg19) VCF-style: chr16-2124355-C-G.
Other names: c.2510C>G, p.Ala837Gly (NM_001077183.3, NM_001114382.3, NM_001363528.2 and 3 more transcripts); c.2399C>G, p.Ala800Gly (NM_001318827.2); c.2363C>G, p.Ala788Gly (NM_001318829.2); c.1910C>G, p.Ala637Gly (NM_001318831.2); c.2543C>G, p.Ala848Gly (NM_001318832.2); c.2510C>G (NM_000548.4); short protein forms A837G, A800G, A788G, A848G, A637G.
Identifiers: ClinVar variation 467948 (VCV000467948.16), dbSNP rs139919040, ClinGen allele CA039285.

ClinVar aggregate classification (germline): Conflicting classifications of pathogenicity. Review status: criteria provided, conflicting classifications (1 of 4 stars). 4 submissions from 4 submitters: Uncertain significance (1); Likely benign (3). Last evaluated 2025-12-15.

Conditions:
TSC2-related disorder. Also called: TSC2-related condition; TSC2-Related Disorders.
Hereditary cancer-predisposing syndrome. Also called: Hereditary neoplastic syndrome; Neoplastic Syndromes, Hereditary; Tumor predisposition; Hereditary Cancer Syndrome. Identifiers: Orphanet 140162, MedGen C0027672, MeSH D009386, MONDO:0015356.
Tuberous sclerosis 2 (TSC2). Identifiers: Orphanet 805, MedGen C1860707, MONDO:0013199, OMIM 613254.

Allele frequency attached by ClinVar (database versions not stated): gnomAD exomes below 0.00001 and 0.00001; ExAC 0.00003; gnomAD 0.00003 and 0.00004; TOPMed 0.00004; ESP Exome Variant Server 0.00015.
gnomAD v4.1: 8 of 1,612,172 alleles (0.0005%); highest among the groups gnomAD compares: African/African-American, 0.011%; no homozygotes.

Submissions (4):

Labcorp Genetics (formerly Invitae), Labcorp
Classification: Likely benign for Tuberous sclerosis 2. Last evaluated: 2025-12-15. Review status: criteria provided, single submitter. Criteria: Invitae Variant Classification Sherloc (09022015). Collection method: clinical testing. Allele origin: germline.

Myriad Genetics, Inc.
Classification: Likely benign for Tuberous sclerosis 2. Last evaluated: 2024-08-14. Review status: criteria provided, single submitter. Criteria: Myriad Autosomal Dominant, Autosomal Recessive and X-Linked Classification Criteria (2023). Collection method: clinical testing. Allele origin: unknown.
Comment: This variant is considered likely benign. This variant has been observed at a population frequency that is significantly greater than expected given the associated disease prevalence and penetrance.

PreventionGenetics, part of Exact Sciences
Classification: Uncertain significance for TSC2-related condition. Last evaluated: 2023-02-27. Review status: criteria provided, single submitter. Criteria: ACMG Guidelines, 2015. Collection method: clinical testing. Allele origin: germline.
Comment: The TSC2 c.2510C>G variant is predicted to result in the amino acid substitution p.Ala837Gly. To our knowledge, this variant has not been reported in the literature. This variant is reported in 0.016% of alleles in individuals of African descent in gnomAD and has been interpreted as likely benign in ClinVar. At this time, the clinical significance of this variant is uncertain due to the absence of conclusive functional and genetic evidence.

Ambry Genetics
Classification: Likely benign for Hereditary cancer-predisposing syndrome. Last evaluated: 2020-06-12. Review status: criteria provided, single submitter. Criteria: Ambry Variant Classification Scheme 2023. Collection method: clinical testing. Allele origin: germline.